The following is an entry in ClinVar:

NM_003477.3(PDHX):c.1052A>G (p.Asp351Gly)

Gene: PDHX (pyruvate dehydrogenase complex component X; plus strand). Cytogenetic location: 11p13.
Variant type: single nucleotide variant.
Coding change: c.1052A>G on transcript NM_003477.3 (MANE Select); coding-DNA position 1052, A replaced by G.
Protein change: p.Asp351Gly; replaces aspartic acid 351 with glycine.
Molecular consequence: missense variant.
Genome position (GRCh38, 1-based): chr11:34,984,598, A>G. VCF-style: chr11-34984598-A-G. GRCh37 (hg19) VCF-style: chr11-35006145-A-G.
Other names: p.D351G:GAT>GGT; c.872A>G, p.Asp291Gly (NM_001135024.2); c.371A>G, p.Asp124Gly (NM_001166158.2); short protein forms D351G, D124G, D291G.
Identifiers: ClinVar variation 214964 (VCV000214964.16), dbSNP rs200866298, ClinGen allele CA321534.

ClinVar aggregate classification (germline): Uncertain significance. Review status: criteria provided, multiple submitters, no conflicts (2 of 4 stars). 6 submissions from 6 submitters: Uncertain significance (6). Last evaluated 2026-01-01.

Conditions:
Inborn genetic diseases. Identifiers: MedGen C0950123, MeSH D030342.
Pyruvate dehydrogenase E3-binding protein deficiency (PDHXD). Also called: Lacticacidemia due to PDX1 deficiency; LACTIC ACIDEMIA DUE TO DEFECT IN LIPOYL-CONTAINING COMPONENT X OF THE PYRUVATE DEHYDROGENASE COMPLEX; E3-Binding Protein (Component X) Deficiency; PYRUVATE HYDROGENASE E3-BINDING PROTEIN DEFICIENCY. Identifiers: Orphanet 255182, MedGen C1855553, MONDO:0009503, OMIM 245349.

Allele frequency attached by ClinVar (database versions not stated): gnomAD 0.00012 and 0.00014; TOPMed 0.00029.

Submissions (6):

CeGaT Center for Human Genetics Tuebingen
Classification: Uncertain significance. Last evaluated: 2026-01-01. Review status: criteria provided, single submitter. Criteria: CeGaT Center For Human Genetics Tuebingen Variant Classification Criteria Version 2. Collection method: clinical testing. Allele origin: germline. Affected: yes. Observed: 1 variant allele.
Comment: PDHX: PM2, BP4

Blueprint Genetics
Classification: Uncertain significance. Last evaluated: 2024-11-23. Review status: criteria provided, single submitter. Criteria: ACMG Guidelines, 2015. Collection method: clinical testing. Allele origin: germline.

Labcorp Genetics (formerly Invitae), Labcorp
Classification: Uncertain significance. Last evaluated: 2024-11-15. Review status: criteria provided, single submitter. Criteria: Invitae Variant Classification Sherloc (09022015). Collection method: clinical testing. Allele origin: germline.
Comment: This sequence change replaces aspartic acid, which is acidic and polar, with glycine, which is neutral and non-polar, at codon 351 of the PDHX protein (p.Asp351Gly). This variant is present in population databases (rs200866298, gnomAD 0.01%). This variant has not been reported in the literature in individuals affected with PDHX-related conditions. ClinVar contains an entry for this variant (Variation ID: 214964). Invitae Evidence Modeling of protein sequence and biophysical properties (such as structural, functional, and spatial information, amino acid conservation, physicochemical variation, residue mobility, and thermodynamic stability) indicates that this missense variant is not expected to disrupt PDHX protein function with a negative predictive value of 80%. In summary, the available evidence is currently insufficient to determine the role of this variant in disease. Therefore, it has been classified as a Variant of Uncertain Significance.

Ambry Genetics
Classification: Uncertain significance for Inborn genetic diseases. Last evaluated: 2024-06-04. Review status: criteria provided, single submitter. Criteria: Ambry Variant Classification Scheme 2023. Collection method: clinical testing. Allele origin: germline.

GeneDx
Classification: Uncertain significance. Last evaluated: 2023-06-01. Review status: criteria provided, single submitter. Criteria: GeneDx Variant Classification Process June 2021. Collection method: clinical testing. Allele origin: germline. Affected: yes.
Comment: Not observed at significant frequency in large population cohorts (gnomAD); In silico analysis supports that this missense variant has a deleterious effect on protein structure/function; Has not been previously published as pathogenic or benign to our knowledge

New York Genome Center
Classification: Uncertain significance for Pyruvate dehydrogenase E3-binding protein deficiency. Last evaluated: 2020-07-27. Review status: criteria provided, single submitter. Criteria: NYGC Assertion Criteria 2020. Collection method: clinical testing. Allele origin: inherited. Observed: 1 heterozygote. Study: CSER-NYCKidSeq.